The following is an entry in ClinVar:

ClinVar aggregate classification (germline): Likely benign. Review status: criteria provided, single submitter (1 of 4 stars). 2 submissions from 2 submitters: Likely benign (1). 1 of the submissions does not count toward it. Last evaluated 2025-08-01.

Conditions:
GIGYF1-related disorder. Also called: GIGYF1-related condition.

Allele frequency attached by ClinVar (database versions not stated): 1000 Genomes Project 30x 0.00031; 1000 Genomes Project 0.00040; ESP Exome Variant Server 0.00171.

Submissions (2):

CeGaT Center for Human Genetics Tuebingen
Classification: Likely benign. Last evaluated: 2025-08-01. Review status: criteria provided, single submitter. Criteria: CeGaT Center For Human Genetics Tuebingen Variant Classification Criteria Version 2. Collection method: clinical testing. Allele origin: germline. Affected: yes. Observed: 2 variant alleles.
Comment: GIGYF1: BP4, BP7

PreventionGenetics, part of Exact Sciences
Classification: Likely benign for GIGYF1-related condition. Last evaluated: 2023-12-18. Review status: no assertion criteria provided. Collection method: clinical testing. Allele origin: germline. Not counted in ClinVar's aggregate classification.
Comment: This variant is classified as likely benign based on ACMG/AMP sequence variant interpretation guidelines (Richards et al. 2015 PMID: 25741868, with internal and published modifications).

NM_001375765.1(GIGYF1):c.330C>G (p.Pro110=)

Gene: GIGYF1 (GRB10 interacting GYF protein 1; minus strand). Cytogenetic location: 7q22.1.
Variant type: single nucleotide variant.
Coding change: c.330C>G on transcript NM_001375765.1 (MANE Select); coding-DNA position 330, C replaced by G.
Protein change: p.Pro110=; no amino-acid change (proline 110 retained).
Molecular consequence: synonymous variant. On other transcripts: non-coding transcript variant (1).
Genome position (GRCh38, 1-based): chr7:100,687,548, G>C on the plus strand (C>G on the coding strand, the complement: GIGYF1 is on the minus strand). VCF-style: chr7-100687548-G-C. GRCh37 (hg19) VCF-style: chr7-100285171-G-C.
Other names: NM_022574.4:c.330C>G; c.330C>G, p.Pro110= (NM_001375759.1, NM_001375760.1, NM_001375761.1 and 6 more transcripts).
Identifiers: ClinVar variation 2657762 (VCV002657762.25), dbSNP rs139871975, ClinGen allele CA4389108.
Genomic context (GRCh38, chr7:100,687,548, plus strand): 5'-CGCCATCACCCCTCTACCTCGGCTCCGCGTGCTGCCCCTGCCTCGGGAGGTGCCAGCCAG[G>C]GGGGGGCCAGCCCCTTTCCCCATCAGCCTCAGCACAGCCACGCTGTTCACTGACAGGGAG-3'
Protein context (NP_001362694.1, residues 100-120): LRLMGKGAGP[Pro110=]LAGTSRGRGS